The following is an entry in ClinVar:

NM_000166.6(GJB1):c.218A>G (p.His73Arg)

Gene: GJB1 (gap junction protein beta 1; plus strand). Cytogenetic location: Xq13.1.
Variant type: single nucleotide variant.
Coding change: c.218A>G on transcript NM_000166.6 (MANE Select); coding-DNA position 218, A replaced by G.
Protein change: p.His73Arg; replaces histidine 73 with arginine.
Molecular consequence: missense variant.
Genome position (GRCh38, 1-based): chrX:71,223,925, A>G. VCF-style: chrX-71223925-A-G. GRCh37 (hg19) VCF-style: chrX-70443775-A-G.
Other names: c.218A>G, p.His73Arg (NM_001097642.3); short protein forms H73R.
Identifiers: ClinVar variation 1004038 (VCV001004038.9), dbSNP rs748384293, ClinGen allele CA413501540.

ClinVar aggregate classification (germline): Uncertain significance. Review status: criteria provided, multiple submitters, no conflicts (2 of 4 stars). 3 submissions from 3 submitters: Uncertain significance (2). 1 of the submissions does not count toward it. Last evaluated 2025-02-12.

Conditions:
Charcot-Marie-Tooth Neuropathy X. Identifiers: MedGen CN118851.
Peripheral neuropathy. Also called: Neuropathy. Identifiers: MedGen C0031117, MONDO:0005244, HP:0009830.
Charcot-Marie-Tooth disease X-linked dominant 1. Also called: Charcot-Marie-Tooth Neuropathy X Type 1; X-linked Charcot-Marie-Tooth disease type 1; HEREDITARY MOTOR AND SENSORY NEUROPATHY, X-LINKED; HMSN, X-LINKED; GJB1 Disorders: Charcot-Marie-Tooth Neuropathy (CMT1X) and Central Nervous System Phenotypes; CHARCOT-MARIE-TOOTH NEUROPATHY, X-LINKED, 1. Identifiers: Orphanet 101075, MedGen C0393808, MONDO:0010549, OMIM 302800.

Submissions (3):

Centre de Génétique Humaine, Institut de Pathologie Et de Génétique
Classification: Uncertain significance for Charcot-Marie-Tooth disease X-linked dominant 1. Last evaluated: 2025-02-12. Review status: criteria provided, single submitter. Criteria: ACMG Guidelines, 2015. Collection method: clinical testing. Allele origin: inherited. Inheritance: Autosomal dominant inheritance. Affected: yes. Observed: 1 heterozygote.
Comment: Missense variant affecting a highly conserved nucleotide and amino acid residue. Absent from gnomAD (v4.1.0). In silico tools are in favour of a deleterious effect (CADD: 24.1, REVEL: 0.981, PolyPhen2: probably damagin, SIFT: deleterious, MutationTaster2021: deleterious). EMG showed severe sensorimotor axonal polyneuropathy (39 y). All the three patients carry the variant. X-chromosome inactivation (on blood sample) was evaluated in the index case: no biais (55/45).

Labcorp Genetics (formerly Invitae), Labcorp
Classification: Uncertain significance for Charcot-Marie-Tooth Neuropathy X. Last evaluated: 2022-02-10. Review status: criteria provided, single submitter. Criteria: Invitae Variant Classification Sherloc (09022015). Collection method: clinical testing. Allele origin: germline.
Comment: ClinVar contains an entry for this variant (Variation ID: 1004038). Algorithms developed to predict the effect of missense changes on protein structure and function are either unavailable or do not agree on the potential impact of this missense change (SIFT: "Deleterious"; PolyPhen-2: "Probably Damaging"; Align-GVGD: "Class C0"). In summary, the available evidence is currently insufficient to determine the role of this variant in disease. Therefore, it has been classified as a Variant of Uncertain Significance. This variant has not been reported in the literature in individuals affected with GJB1-related conditions. This sequence change replaces histidine, which is basic and polar, with arginine, which is basic and polar, at codon 73 of the GJB1 protein (p.His73Arg). This variant is not present in population databases (gnomAD no frequency).

Institute of Human Genetics, University of Wuerzburg
Classification: Likely pathogenic for Peripheral neuropathy. Review status: no assertion criteria provided. Collection method: clinical testing. Allele origin: unknown. Not counted in ClinVar's aggregate classification.